The following is an entry in ClinVar:

ClinVar aggregate classification (germline): Conflicting classifications of pathogenicity. Review status: criteria provided, conflicting classifications (1 of 4 stars). 3 submissions from 3 submitters: Uncertain significance (2); Likely benign (1). Last evaluated 2025-02-12.

Conditions:
DSP-related disorder. Also called: DSP-related condition; DSP-related disorders.
Cardiovascular phenotype. Identifiers: MedGen CN230736.
Arrhythmogenic cardiomyopathy with wooly hair and keratoderma. Also called: Dilated cardiomyopathy with woolly hair and keratoderma; Carvajal syndrome; PALMOPLANTAR KERATODERMA WITH LEFT VENTRICULAR CARDIOMYOPATHY AND WOOLLY HAIR; Arrhythmogenic cardiomyopathy with woolly hair and keratoderma. Identifiers: Orphanet 65282, MedGen C1854063, MONDO:0011581, OMIM 605676.
Arrhythmogenic right ventricular dysplasia 8 (ARVD8). Also called: ARRHYTHMOGENIC RIGHT VENTRICULAR CARDIOMYOPATHY 8; ARRHYTHMOGENIC RIGHT VENTRICULAR DYSPLASIA, FAMILIAL, 8; Arrhythmogenic Right Ventricular Dysplasia/Cardiomyopathy 8. Identifiers: MedGen C1843896, MONDO:0011831, OMIM 607450.

Allele frequency attached by ClinVar (database versions not stated): gnomAD exomes below 0.00001; ExAC 0.00001; gnomAD 0.00001.
gnomAD v4.1: 2 of 1,612,558 alleles (0.00012%); highest among the groups gnomAD compares: African/African-American, 0.0027%; no homozygotes.

Submissions (3):

PreventionGenetics, part of Exact Sciences
Classification: Uncertain significance for DSP-related condition. Last evaluated: 2025-02-12. Review status: criteria provided, single submitter. Criteria: ACMG Guidelines, 2015. Collection method: clinical testing. Allele origin: germline.
Comment: The DSP c.5261G>A variant is predicted to result in the amino acid substitution p.Ser1754Asn. To our knowledge, this variant has not been reported in the literature. This variant is reported in 0.0062% of alleles in individuals of African descent in gnomAD. At this time, the clinical significance of this variant is uncertain due to the absence of conclusive functional and genetic evidence.

Labcorp Genetics (formerly Invitae), Labcorp
Classification: Likely benign for Arrhythmogenic cardiomyopathy with wooly hair and keratoderma; Arrhythmogenic right ventricular dysplasia 8. Last evaluated: 2024-09-05. Review status: criteria provided, single submitter. Criteria: Invitae Variant Classification Sherloc (09022015). Collection method: clinical testing. Allele origin: germline.

Ambry Genetics
Classification: Uncertain significance for Cardiovascular phenotype. Last evaluated: 2021-08-22. Review status: criteria provided, single submitter. Criteria: Ambry Variant Classification Scheme 2023. Collection method: clinical testing. Allele origin: germline.
Comment: The p.S1754N variant (also known as c.5261G>A), located in coding exon 23 of the DSP gene, results from a G to A substitution at nucleotide position 5261. The serine at codon 1754 is replaced by asparagine, an amino acid with highly similar properties. This amino acid position is conserved. In addition, this alteration is predicted to be tolerated by in silico analysis. Since supporting evidence is limited at this time, the clinical significance of this alteration remains unclear.

NM_004415.4(DSP):c.5261G>A (p.Ser1754Asn)

Gene: DSP (desmoplakin; plus strand). Cytogenetic location: 6p24.3.
Variant type: single nucleotide variant.
Coding change: c.5261G>A on transcript NM_004415.4 (MANE Select); coding-DNA position 5261, G replaced by A.
Protein change: p.Ser1754Asn; replaces serine 1754 with asparagine.
Molecular consequence: missense variant. On other transcripts: intron variant (2).
Genome position (GRCh38, 1-based): chr6:7,581,451, G>A. VCF-style: chr6-7581451-G-A. GRCh37 (hg19) VCF-style: chr6-7581684-G-A.
Other names: c.4051-1191G>A (NM_001319034.2); c.3583-1191G>A (NM_001008844.3); c.5261G>A (NM_004415.3); short protein forms S1754N.
Identifiers: ClinVar variation 1395399 (VCV001395399.11), dbSNP rs763526083, ClinGen allele CA044445.
Genomic context (GRCh38, chr6:7,581,451, plus strand): 5'-TGAGGAGAGGACGAAGCGAAGCGGACAGTGATAAAAATGCAACCATCTTGGAACTAAGGA[G>A]CCAGCTGCAGATCAGCAACAACCGGACCCTGGAACTGCAGGGGCTGATTAATGATTTACA-3'
Protein context (NP_004406.2, residues 1744-1764): DKNATILELR[Ser1754Asn]QLQISNNRTL